The following is an entry in ClinVar:

ClinVar aggregate classification (germline): Uncertain significance (1 of 4 stars; one submission).

Conditions:
Methylmalonic aciduria, cblB type (MACB). Also called: METHYLMALONIC ACIDURIA, VITAMIN B12-RESPONSIVE, DUE TO DEFECT IN SYNTHESIS OF ADENOSYLCOBALAMIN, cblB TYPE; Vitamin B12-responsive methylmalonic acidemia type cblB; Methylmalonic acidemia cblB type. Identifiers: Orphanet 28, Orphanet 79311, MedGen C1855102, MONDO:0009614, OMIM 251110.

Allele frequency attached by ClinVar (database versions not stated): gnomAD exomes below 0.00001 and 0.00001; TOPMed below 0.00001; ExAC 0.00001.
gnomAD v4.1: 4 of 1,610,946 alleles (0.00025%); highest among the groups gnomAD compares: Non-Finnish European, 0.00034%; no homozygotes.

Submission:

Labcorp Genetics (formerly Invitae), Labcorp
Classification: Uncertain significance for Methylmalonic aciduria, cblB type. Last evaluated: 2021-08-27. Review status: criteria provided, single submitter. Criteria: Invitae Variant Classification Sherloc (09022015). Collection method: clinical testing. Allele origin: germline.
Comment: This sequence change replaces cysteine with tyrosine at codon 185 of the MMAB protein (p.Cys185Tyr). The cysteine residue is moderately conserved and there is a large physicochemical difference between cysteine and tyrosine. This variant is present in population databases (rs767774574, ExAC 0.002%). This variant has not been reported in the literature in individuals affected with MMAB-related conditions. Algorithms developed to predict the effect of missense changes on protein structure and function are either unavailable or do not agree on the potential impact of this missense change (SIFT: "Deleterious"; PolyPhen-2: "Probably Damaging"; Align-GVGD: "Class C0"). In summary, the available evidence is currently insufficient to determine the role of this variant in disease. Therefore, it has been classified as a Variant of Uncertain Significance.

NM_052845.4(MMAB):c.554G>A (p.Cys185Tyr)

Gene: MMAB (metabolism of cobalamin associated B; minus strand). Cytogenetic location: 12q24.11.
Variant type: single nucleotide variant.
Coding change: c.554G>A on transcript NM_052845.4 (MANE Select); coding-DNA position 554, G replaced by A.
Protein change: p.Cys185Tyr; replaces cysteine 185 with tyrosine.
Molecular consequence: missense variant. On other transcripts: non-coding transcript variant (1).
Genome position (GRCh38, 1-based): chr12:109,561,070, C>T on the plus strand (G>A on the coding strand, the complement: MMAB is on the minus strand). VCF-style: chr12-109561070-C-T. GRCh37 (hg19) VCF-style: chr12-109998875-C-T.
Other names: short protein forms C185Y.
Identifiers: ClinVar variation 859987 (VCV000859987.7), dbSNP rs767774574, ClinGen allele CA6778833.